The following is an entry in ClinVar:

NM_001384732.1(CPLANE1):c.2556dup (p.Ala853fs)

Gene: CPLANE1 (ciliogenesis and planar polarity effector complex subunit 1; minus strand). Cytogenetic location: 5p13.2.
Variant type: Duplication.
Coding change: c.2556dup on transcript NM_001384732.1 (MANE Select); coding-DNA position 2556, one base duplicated (A; older notation c.2556dupA).
Protein change: p.Ala853fs; shifts the reading frame from alanine 853.
Molecular consequence: frameshift variant.
Genome position (GRCh38, 1-based): chr5:37,224,278, T duplicated on the plus strand (A on the coding strand, the reverse complement: CPLANE1 is on the minus strand); the first of 6 consecutive T bases (chr5:37,224,278-37,224,283); duplicating any one gives the same sequence. VCF-style (leftmost placement, unchanged base first): chr5-37224277-C-CT. GRCh37 (hg19) VCF-style: chr5-37224379-C-CT.
Other names: c.2556dupA (NM_023073.3); c.2556dup, p.Ala853fs (NM_023073.4); short protein forms A853fs.
Identifiers: ClinVar variation 578049 (VCV000578049.6), dbSNP rs1561655920, ClinGen allele CA891843100.

ClinVar aggregate classification (germline): Pathogenic (1 of 4 stars; one submission).

Submission:

Labcorp Genetics (formerly Invitae), Labcorp
Classification: Pathogenic. Last evaluated: 2021-08-29. Review status: criteria provided, single submitter. Criteria: Invitae Variant Classification Sherloc (09022015). Collection method: clinical testing. Allele origin: germline.
Comment: For these reasons, this variant has been classified as Pathogenic. Loss-of-function variants in C5orf42 are known to be pathogenic (PMID: 22425360). This variant has not been reported in the literature in individuals with C5orf42-related disease. This variant is not present in population databases (ExAC no frequency). This sequence change creates a premature translational stop signal (p.Ala853Serfs*31) in the C5orf42 gene. It is expected to result in an absent or disrupted protein product.

Literature cited by the submitters: PubMed 22425360.